The following is an entry in ClinVar:

ClinVar aggregate classification (germline): Benign/Likely benign. Review status: criteria provided, multiple submitters, no conflicts (2 of 4 stars). 2 submissions from 2 submitters: Benign (1); Likely benign (1). Last evaluated 2025-01-21.

Conditions:
EP300-related disorder. Also called: EP300-related condition; EP300-related disorders.
Rubinstein-Taybi syndrome due to EP300 haploinsufficiency. Also called: EP300-Related Rubinstein-Taybi Syndrome; RUBINSTEIN-TAYBI SYNDROME 2. Identifiers: Orphanet 353284, Orphanet 783, MedGen C3150941, MONDO:0013364, OMIM 613684.

Allele frequency attached by ClinVar (database versions not stated): ExAC 0.00001; gnomAD exomes 0.00001; TOPMed 0.00002; gnomAD 0.00003; 1000 Genomes Project 30x 0.00016; 1000 Genomes Project 0.00020.
gnomAD v4.1: 14 of 1,614,150 alleles (0.00087%); highest among the groups gnomAD compares: African/African-American, 0.0067%; no homozygotes.

Submissions (2):

PreventionGenetics, part of Exact Sciences
Classification: Likely benign for EP300-related condition. Last evaluated: 2025-01-21. Review status: criteria provided, single submitter. Criteria: ACMG Guidelines, 2015. Collection method: clinical testing. Allele origin: germline.
Comment: This variant is classified as likely benign based on ACMG/AMP sequence variant interpretation guidelines (Richards et al. 2015 PMID: 25741868, with internal and published modifications).

Labcorp Genetics (formerly Invitae), Labcorp
Classification: Benign for Rubinstein-Taybi syndrome due to EP300 haploinsufficiency. Last evaluated: 2023-08-23. Review status: criteria provided, single submitter. Criteria: Invitae Variant Classification Sherloc (09022015). Collection method: clinical testing. Allele origin: germline.

NM_001429.4(EP300):c.512C>T (p.Ala171Val)

Gene: EP300 (EP300 lysine acetyltransferase; plus strand). Cytogenetic location: 22q13.2.
Variant type: single nucleotide variant.
Coding change: c.512C>T on transcript NM_001429.4 (MANE Select); coding-DNA position 512, C replaced by T.
Protein change: p.Ala171Val; replaces alanine 171 with valine.
Molecular consequence: missense variant.
Genome position (GRCh38, 1-based): chr22:41,117,604, C>T. VCF-style: chr22-41117604-C-T. GRCh37 (hg19) VCF-style: chr22-41513608-C-T.
Other names: c.512C>T, p.Ala171Val (NM_001362843.2); c.512C>T (NM_001429.3); short protein forms A171V.
Identifiers: ClinVar variation 2737654 (VCV002737654.5), dbSNP rs533349187, ClinGen allele CA10252267.